The following is an entry in ClinVar:

NM_001365276.2(TNXB):c.8305C>T (p.Gln2769Ter)

Gene: TNXB (tenascin XB; minus strand). Cytogenetic location: 6p21.33.
Variant type: single nucleotide variant.
Coding change: c.8305C>T on transcript NM_001365276.2 (MANE Select); coding-DNA position 8305, C replaced by T.
Protein change: p.Gln2769Ter; replaces glutamine 2769 with a stop codon.
Molecular consequence: nonsense.
Genome position (GRCh38, 1-based): chr6:32,056,013, G>A on the plus strand (C>T on the coding strand, the complement: TNXB is on the minus strand). VCF-style: chr6-32056013-G-A. GRCh37 (hg19) VCF-style: chr6-32023790-G-A.
Other names: c.9046C>T, p.Gln3016Ter (NM_001428335.1); c.8305C>T, p.Gln2769Ter (NM_019105.8); short protein forms Q2769*, Q3016*.
Identifiers: ClinVar variation 5014079 (VCV005014079.1).

ClinVar aggregate classification (germline): Pathogenic (1 of 4 stars; one submission).

Conditions:
Ehlers-Danlos syndrome due to tenascin-X deficiency (EDSCLL1). Also called: Ehlers-Danlos syndrome, classic-like, 1; EHLERS-DANLOS SYNDROME, CLASSIC-LIKE; TNXB-Related Classical-Like Ehlers-Danlos Syndrome; EDS DUE TO TNX DEFICIENCY; TNX DEFICIENCY. Identifiers: Orphanet 230839, MedGen C1848029, MONDO:0011670, OMIM 606408.

Submission:

Myriad Genetics, Inc.
Classification: Pathogenic for Ehlers-Danlos syndrome due to tenascin-X deficiency. Last evaluated: 2025-02-09. Review status: criteria provided, single submitter. Criteria: Myriad Autosomal Dominant, Autosomal Recessive and X-Linked Classification Criteria (2023). Collection method: clinical testing. Allele origin: unknown.
Comment: NM_019105.6(TNXB):c.8305C>T(Q2769*) is expected to be pathogenic in the context of classical-like Ehlers-Danlos syndrome, TNXB-related. This variant is predicted to lead to an abnormal or absent protein product due to the creation of a premature termination codon in TNXB, a gene where loss-of-function variants are known to be pathogenic. Please note: this variant was assessed in the context of healthy population screening.